The following is an entry in ClinVar:

ClinVar aggregate classification (germline): Benign (0 of 4 stars; one submission).

Conditions:
ICAM1-related disorder. Also called: ICAM1-related condition.

Allele frequency attached by ClinVar (database versions not stated): ESP Exome Variant Server 0.35038; 1000 Genomes Project 30x 0.35384; 1000 Genomes Project 0.35883; TOPMed 0.36907; gnomAD 0.37004; ExAC 0.42806.
gnomAD v4.1: 682,779 of 1,613,062 alleles (42%); highest among the groups gnomAD compares: Admixed American, 56%; 148,506 homozygotes.

Submission:

PreventionGenetics, part of Exact Sciences
Classification: Benign for ICAM1-related condition. Last evaluated: 2019-10-17. Review status: no assertion criteria provided. Collection method: clinical testing. Allele origin: germline.
Comment: This variant is classified as benign based on ACMG/AMP sequence variant interpretation guidelines (Richards et al. 2015 PMID: 25741868, with internal and published modifications).

NM_000201.3(ICAM1):c.1405A>G (p.Lys469Glu)

Gene: ICAM1 (intercellular adhesion molecule 1; plus strand). Cytogenetic location: 19p13.2.
Variant type: single nucleotide variant.
Coding change: c.1405A>G on transcript NM_000201.3 (MANE Select); coding-DNA position 1405, A replaced by G.
Protein change: p.Lys469Glu; replaces lysine 469 with glutamic acid.
Molecular consequence: missense variant.
Genome position (GRCh38, 1-based): chr19:10,285,007, A>G. VCF-style: chr19-10285007-A-G. GRCh37 (hg19) VCF-style: chr19-10395683-A-G.
Other names: short protein forms K469E.
Identifiers: ClinVar variation 3060077 (VCV003060077.2), dbSNP rs5498, ClinGen allele CA9190084.